The following is an entry in ClinVar:

ClinVar aggregate classification (germline): Benign (0 of 4 stars; one submission).

Conditions:
DCHS2-related disorder. Also called: DCHS2-related condition.

Allele frequency attached by ClinVar (database versions not stated): gnomAD exomes 0.00149; ExAC 0.00579; ESP Exome Variant Server 0.01445; gnomAD 0.01580; TOPMed 0.01762; 1000 Genomes Project 0.01957; 1000 Genomes Project 30x 0.02108.
gnomAD v4.1: 4,595 of 1,551,630 alleles (0.3%); highest among the groups gnomAD compares: African/African-American, 5.6%; 112 homozygotes.

Submission:

PreventionGenetics, part of Exact Sciences
Classification: Benign for DCHS2-related condition. Last evaluated: 2019-03-14. Review status: no assertion criteria provided. Collection method: clinical testing. Allele origin: germline.
Comment: This variant is classified as benign based on ACMG/AMP sequence variant interpretation guidelines (Richards et al. 2015 PMID: 25741868, with internal and published modifications).

NM_001358235.2(DCHS2):c.1582C>T (p.Arg528Trp)

Gene: DCHS2 (dachsous cadherin-related 2; minus strand). Cytogenetic location: 4q31.3.
Variant type: single nucleotide variant.
Coding change: c.1582C>T on transcript NM_001358235.2 (MANE Select); coding-DNA position 1582, C replaced by T.
Protein change: p.Arg528Trp; replaces arginine 528 with tryptophan.
Molecular consequence: missense variant.
Genome position (GRCh38, 1-based): chr4:154,489,774, G>A on the plus strand (C>T on the coding strand, the complement: DCHS2 is on the minus strand). VCF-style: chr4-154489774-G-A. GRCh37 (hg19) VCF-style: chr4-155410926-G-A.
Other names: c.1582C>T, p.Arg528Trp (NM_001142552.2, NM_001412223.1); short protein forms R528W.
Identifiers: ClinVar variation 3056183 (VCV003056183.2), dbSNP rs149760589, ClinGen allele CA3113810.